The following is an entry in ClinVar:

ClinVar aggregate classification (germline): Pathogenic/Likely pathogenic. Review status: criteria provided, multiple submitters, no conflicts (2 of 4 stars). 4 submissions from 4 submitters: Pathogenic (3); Likely pathogenic (1). Last evaluated 2025-10-22.

Conditions:
Sandhoff disease. Also called: GM2-GANGLIOSIDOSIS, TYPE II; HEXOSAMINIDASES A AND B DEFICIENCY; Beta-hexosaminidase-beta-subunit deficiency; GM2 gangliosidosis, type 2; Total hexosaminidase deficiency; Sandhoff-Jatzkewitz-Pilz disease. Identifiers: Orphanet 796, MedGen C0036161, MONDO:0010006, OMIM 268800.

Allele frequency attached by ClinVar (database versions not stated): TOPMed below 0.00001; ExAC 0.00001; gnomAD 0.00001; gnomAD exomes 0.00001.
gnomAD v4.1: 4 of 1,614,066 alleles (0.00025%); highest among the groups gnomAD compares: Admixed American, 0.005%; no homozygotes.

Submissions (4):

Natera, Inc.
Classification: Likely pathogenic for Sandhoff disease. Last evaluated: 2025-10-22. Review status: criteria provided, single submitter. Criteria: Natera Variant Classification Schema (03/2026). Collection method: clinical testing. Allele origin: germline.
Comment: The c.1538T>C variant in HEXB is a missense variant predicted to cause substitution of leucine to proline at amino acid 513. This variant is rare in the general population with a frequency below the threshold expected for the associated phenotype(s). This variant has been observed in one or more individuals affected with the associated recessive disease, as either homozygous or compound heterozygous with a second variant (PMID: 23010210, 34554397). This variant has been identified in one or more affected individuals with a phenotype highly consistent with the associated gene (PMID: 23010210, 34554397). Computational prediction algorithms indicate this variant is likely to affect gene or protein function. Given the available evidence, this variant is classified as Likely Pathogenic.

Fulgent Genetics
Classification: Pathogenic for Sandhoff disease. Last evaluated: 2024-01-31. Review status: criteria provided, single submitter. Criteria: ACMG Guidelines, 2015. Collection method: clinical testing. Allele origin: germline.

Labcorp Genetics (formerly Invitae), Labcorp
Classification: Pathogenic for Sandhoff disease. Last evaluated: 2024-01-24. Review status: criteria provided, single submitter. Criteria: Invitae Variant Classification Sherloc (09022015). Collection method: clinical testing. Allele origin: germline.
Comment: This sequence change replaces leucine, which is neutral and non-polar, with proline, which is neutral and non-polar, at codon 513 of the HEXB protein (p.Leu513Pro). This variant is present in population databases (rs778501777, gnomAD 0.006%). This missense change has been observed in individual(s) with Sandhoff disease (PMID: 23010210, 27697305). In at least one individual the data is consistent with being in trans (on the opposite chromosome) from a pathogenic variant. ClinVar contains an entry for this variant (Variation ID: 929001). Advanced modeling of protein sequence and biophysical properties (such as structural, functional, and spatial information, amino acid conservation, physicochemical variation, residue mobility, and thermodynamic stability) performed at Invitae indicates that this missense variant is expected to disrupt HEXB protein function with a positive predictive value of 95%. For these reasons, this variant has been classified as Pathogenic.

Women's Health and Genetics/Laboratory Corporation of America, LabCorp
Classification: Pathogenic for Sandhoff disease. Last evaluated: 2021-08-07. Review status: criteria provided, single submitter. Criteria: LabCorp Variant Classification Summary - May 2015. Collection method: clinical testing. Allele origin: germline.
Comment: Variant summary: HEXB c.1538T>C (p.Leu513Pro) results in a non-conservative amino acid change located in the catalytic domain (IPR015883) of the encoded protein sequence. Five of five in-silico tools predict a damaging effect of the variant on protein function. The variant allele was found at a frequency of 8e-06 in 251258 control chromosomes. c.1538T>C has been reported in the literature in multiple homozygous and compound heterozygous individuals affected with Sandhoff Disease (example, Sobek 2012, Lee 2017, Akcakaya 2017, Tavasoli 2018). These data indicate that the variant is very likely to be associated with disease. Multiple publications report experimental evidence evaluating an impact on protein function. These publications also reported enzyme activities measured in patient's samples and found <10% of normal activity (example, Lee 2017, Tavasoli 2018). No other clinical diagnostic laboratories have submitted clinical-significance assessments for this variant to ClinVar after 2014. Based on the evidence outlined above, the variant was classified as pathogenic.

Literature cited by the submitters: PubMed 23010210 (cited by 3 submitters); PubMed 34554397 (cited by Natera, Inc.); PubMed 27697305 (cited by Labcorp Genetics (formerly Invitae), Labcorp and Women's Health and Genetics/Laboratory Corporation of America, LabCorp); PubMed 30075786 (cited by Women's Health and Genetics/Laboratory Corporation of America, LabCorp).

NM_000521.4(HEXB):c.1538T>C (p.Leu513Pro)

Gene: HEXB (hexosaminidase subunit beta; plus strand). Cytogenetic location: 5q13.3.
Variant type: single nucleotide variant.
Coding change: c.1538T>C on transcript NM_000521.4 (MANE Select); coding-DNA position 1538, T replaced by C.
Protein change: p.Leu513Pro; replaces leucine 513 with proline.
Molecular consequence: missense variant.
Genome position (GRCh38, 1-based): chr5:74,720,672, T>C. VCF-style: chr5-74720672-T-C. GRCh37 (hg19) VCF-style: chr5-74016497-T-C.
Other names: c.863T>C, p.Leu288Pro (NM_001292004.2); short protein forms L288P, L513P.
Identifiers: ClinVar variation 929001 (VCV000929001.8), dbSNP rs778501777, ClinGen allele CA3306197.